The following is an entry in ClinVar:

ClinVar aggregate classification (germline): Pathogenic (1 of 4 stars; one submission).

Conditions:
Aniridia 1 (AN1). Identifiers: Orphanet 250923, MedGen C0344542, MONDO:0024507, OMIM 106210.
Irido-corneo-trabecular dysgenesis (ASGD5). Also called: ANTERIOR SEGMENT DYSGENESIS 5. Identifiers: Orphanet 708, MedGen C0344559, MONDO:0011414, OMIM 604229, HP:0000659.

Submission:

Labcorp Genetics (formerly Invitae), Labcorp
Classification: Pathogenic for Aniridia 1; Irido-corneo-trabecular dysgenesis. Last evaluated: 2021-08-31. Review status: criteria provided, single submitter. Criteria: Invitae Variant Classification Sherloc (09022015). Collection method: clinical testing. Allele origin: germline.
Comment: This missense change has been observed in individual(s) with PAX6-related conditions (PMID: 18332330). It has also been observed to segregate with disease in related individuals. For these reasons, this variant has been classified as Pathogenic. Advanced modeling of protein sequence and biophysical properties (such as structural, functional, and spatial information, amino acid conservation, physicochemical variation, residue mobility, and thermodynamic stability) performed at Invitae indicates that this missense variant is expected to disrupt PAX6 protein function. This variant is not present in population databases (ExAC no frequency). This sequence change replaces arginine with proline at codon 128 of the PAX6 protein (p.Arg128Pro). The arginine residue is highly conserved and there is a moderate physicochemical difference between arginine and proline.

Literature cited by the submitters: PubMed 18332330.

NM_001368894.2(PAX6):c.425G>C (p.Arg142Pro)

Gene: PAX6 (paired box 6; minus strand). Cytogenetic location: 11p13.
Variant type: single nucleotide variant.
Coding change: c.425G>C on transcript NM_001368894.2 (MANE Select); coding-DNA position 425, G replaced by C.
Protein change: p.Arg142Pro; replaces arginine 142 with proline.
Molecular consequence: missense variant. On other transcripts: 5 prime UTR variant (14), non-coding transcript variant (2).
Genome position (GRCh38, 1-based): chr11:31,800,831, C>G on the plus strand (G>C on the coding strand, the complement: PAX6 is on the minus strand). VCF-style: chr11-31800831-C-G. GRCh37 (hg19) VCF-style: chr11-31822379-C-G.
Other names: c.383G>C, p.Arg128Pro (NM_000280.6, NM_001127612.3, NM_001258464.2 and 10 more transcripts); c.425G>C, p.Arg142Pro (NM_001258462.3, NM_001258463.2, NM_001310158.2 and 6 more transcripts); c.-26G>C (NM_001310160.2, NM_001310161.3, NM_001368899.2 and 11 more transcripts); c.626G>C, p.Arg209Pro (NM_001368910.2); c.428G>C, p.Arg143Pro (NM_001368911.2); c.500G>C, p.Arg167Pro (NM_001368918.2, NM_001368919.2); c.458G>C, p.Arg153Pro (NM_001368920.2); c.224G>C, p.Arg75Pro (NM_001368921.2, NM_001368922.2, NM_001368923.2 and 4 more transcripts); and 1 more; short protein forms R128P, R153P, R167P, R209P, R142P, R143P, R61P, R75P.
Identifiers: ClinVar variation 1457769 (VCV001457769.6), dbSNP rs1592531953, ClinGen allele CA379958366.